The following is an entry in ClinVar:

NM_198253.3(TERT):c.2252C>T (p.Ala751Val)

Gene: TERT (telomerase reverse transcriptase; minus strand). Cytogenetic location: 5p15.33.
Variant type: single nucleotide variant.
Coding change: c.2252C>T on transcript NM_198253.3 (MANE Select); coding-DNA position 2252, C replaced by T.
Protein change: p.Ala751Val; replaces alanine 751 with valine.
Molecular consequence: missense variant. On other transcripts: non-coding transcript variant (2).
Genome position (GRCh38, 1-based): chr5:1,278,675, G>A on the plus strand (C>T on the coding strand, the complement: TERT is on the minus strand). VCF-style: chr5-1278675-G-A. GRCh37 (hg19) VCF-style: chr5-1278790-G-A.
Other names: c.2252C>T, p.Ala751Val (NM_001193376.3, NM_003219.1); short protein forms A751V.
Identifiers: ClinVar variation 2454089 (VCV002454089.2), dbSNP rs2478267831, ClinGen allele CA359078936.

ClinVar aggregate classification (germline): Uncertain significance (1 of 4 stars; one submission).

Conditions:
Dyskeratosis congenita. Identifiers: Orphanet 1775, MedGen C0265965, MONDO:0015780.

Submission:

Ambry Genetics
Classification: Uncertain significance for Dyskeratosis congenita. Last evaluated: 2023-02-15. Review status: criteria provided, single submitter. Criteria: Ambry Variant Classification Scheme 2023. Collection method: clinical testing. Allele origin: germline.
Comment: The p.A751V variant (also known as c.2252C>T), located in coding exon 6 of the TERT gene, results from a C to T substitution at nucleotide position 2252. The alanine at codon 751 is replaced by valine, an amino acid with similar properties. This amino acid position is conserved. In addition, this alteration is predicted to be tolerated by in silico analysis. Since supporting evidence is limited at this time, the clinical significance of this alteration remains unclear.